The following is an entry in ClinVar:

ClinVar aggregate classification (germline): Uncertain significance. Review status: criteria provided, multiple submitters, no conflicts (2 of 4 stars). 2 submissions from 2 submitters: Uncertain significance (2). Last evaluated 2022-07-11.

Allele frequency attached by ClinVar (database versions not stated): gnomAD exomes 0.00001 and 0.00003; ExAC 0.00002; gnomAD 0.00003 and 0.00004; TOPMed 0.00004; ESP Exome Variant Server 0.00008.
gnomAD v4.1: 44 of 1,613,922 alleles (0.0027%); highest among the groups gnomAD compares: East Asian, 0.011%; no homozygotes.

Submissions (2):

Labcorp Genetics (formerly Invitae), Labcorp
Classification: Uncertain significance. Last evaluated: 2022-07-11. Review status: criteria provided, single submitter. Criteria: Invitae Variant Classification Sherloc (09022015). Collection method: clinical testing. Allele origin: germline.
Comment: This variant is present in population databases (rs371771035, gnomAD 0.004%). In summary, the available evidence is currently insufficient to determine the role of this variant in disease. Therefore, it has been classified as a Variant of Uncertain Significance. Algorithms developed to predict the effect of missense changes on protein structure and function (SIFT, PolyPhen-2, Align-GVGD) all suggest that this variant is likely to be disruptive. ClinVar contains an entry for this variant (Variation ID: 1389377). This variant has not been reported in the literature in individuals affected with ARHGEF1-related conditions. This sequence change replaces alanine, which is neutral and non-polar, with threonine, which is neutral and polar, at codon 134 of the ARHGEF1 protein (p.Ala134Thr).

Ambry Genetics
Classification: Uncertain significance. Last evaluated: 2021-07-15. Review status: criteria provided, single submitter. Criteria: Ambry Variant Classification Scheme 2023. Collection method: clinical testing. Allele origin: germline.

NM_004706.4(ARHGEF1):c.355G>A (p.Ala119Thr)

Gene: ARHGEF1 (Rho guanine nucleotide exchange factor 1; plus strand). Cytogenetic location: 19q13.2.
Variant type: single nucleotide variant.
Coding change: c.355G>A on transcript NM_004706.4 (MANE Select); coding-DNA position 355, G replaced by A.
Protein change: p.Ala119Thr; replaces alanine 119 with threonine.
Molecular consequence: missense variant.
Genome position (GRCh38, 1-based): chr19:41,892,361, G>A. VCF-style: chr19-41892361-G-A. GRCh37 (hg19) VCF-style: chr19-42396432-G-A.
Other names: c.256G>A, p.Ala86Thr (NM_198977.2); c.400G>A, p.Ala134Thr (NM_199002.2); c.400G>A (NM_199002.1); short protein forms A134T, A86T, A119T.
Identifiers: ClinVar variation 1389377 (VCV001389377.7), dbSNP rs371771035, ClinGen allele CA9465876.